The following is an entry in ClinVar:

ClinVar aggregate classification (germline): Uncertain significance (1 of 4 stars; one submission).

Submission:

GeneDx
Classification: Uncertain significance. Last evaluated: 2024-09-09. Review status: criteria provided, single submitter. Criteria: GeneDx Variant Classification Process June 2021. Collection method: clinical testing. Allele origin: germline. Affected: yes.
Comment: Not observed at significant frequency in large population cohorts (gnomAD); In silico analysis supports that this missense variant has a deleterious effect on protein structure/function; Has not been previously published as pathogenic or benign to our knowledge

NM_001385079.1(PDE10A):c.2021A>G (p.Glu674Gly)

Gene: PDE10A (phosphodiesterase 10A; minus strand). Cytogenetic location: 6q27.
Variant type: single nucleotide variant.
Coding change: c.2021A>G on transcript NM_001385079.1 (MANE Select); coding-DNA position 2021, A replaced by G.
Protein change: p.Glu674Gly; replaces glutamic acid 674 with glycine.
Molecular consequence: missense variant.
Genome position (GRCh38, 1-based): chr6:165,413,556, T>C on the plus strand (A>G on the coding strand, the complement: PDE10A is on the minus strand). VCF-style: chr6-165413556-T-C. GRCh37 (hg19) VCF-style: chr6-165827044-T-C.
Other names: c.1223A>G, p.Glu408Gly (NM_001130690.3); c.1193A>G, p.Glu398Gly (NM_006661.4); short protein forms E398G, E408G, E674G.
Identifiers: ClinVar variation 3767822 (VCV003767822.1).